The following is an entry in ClinVar:

ClinVar aggregate classification (germline): Pathogenic/Likely pathogenic. Review status: criteria provided, multiple submitters, no conflicts (2 of 4 stars). 2 submissions from 2 submitters: Pathogenic (1); Likely pathogenic (1). Last evaluated 2022-08-22.

Conditions:
Marfan Syndrome/Loeys-Dietz Syndrome/Familial Thoracic Aortic Aneurysms and Dissections. Identifiers: MedGen CN229799.
Familial thoracic aortic aneurysm and aortic dissection (TAAD). Also called: Thoracic aortic aneurysms and dissections. Identifiers: Orphanet 91387, MedGen C4707243, MONDO:0019625.
Marfan syndrome (MFS). Also called: FBN1-Related Marfan Syndrome; Marfan syndrome type 1; Marfan's syndrome; Marfan syndrome, classic; MARFAN SYNDROME, TYPE I. Identifiers: Orphanet 284963, Orphanet 558, MedGen C0024796, MONDO:0007947, OMIM 154700.

Submissions (2):

Women's Health and Genetics/Laboratory Corporation of America, LabCorp
Classification: Likely pathogenic for Marfan Syndrome/Loeys-Dietz Syndrome/Familial Thoracic Aortic Aneurysms and Dissections. Last evaluated: 2022-08-22. Review status: criteria provided, single submitter. Criteria: LabCorp Variant Classification Summary - May 2015. Collection method: clinical testing. Allele origin: germline.
Comment: Variant summary: FBN1 c.626G>T (p.Cys209Phe) results in a non-conservative amino acid change located in the TB domain of the encoded protein sequence. Five of five in-silico tools predict a damaging effect of the variant on protein function. The variant was absent in 251438 control chromosomes. The available data on variant occurrences in the general population are insufficient to allow any conclusion about variant significance. To our knowledge, no occurrence of c.626G>T in individuals affected with Marfan Syndrome and no experimental evidence demonstrating its impact on protein function have been reported. However, the sulfhydryl group of cysteine is unique in its ability to participate in disulfide covalent cross-linkage. In fact, two-thirds of fibrillin cysteine residues exist in the half-cystinyl form, suggesting their participation in intramolecular disulfide linkage (Dietz_1992). Therefore, the substitution of a cysteine may disrupt the structure of the FBN1 protein, affecting its function. One clinical diagnostic laboratory has submitted clinical-significance assessments for this variant to ClinVar after 2014 without evidence for independent evaluation and classified the variant as pathogenic. Based on the evidence outlined above, the variant was classified as likely pathogenic.

Labcorp Genetics (formerly Invitae), Labcorp
Classification: Pathogenic for Marfan syndrome; Familial thoracic aortic aneurysm and aortic dissection. Last evaluated: 2018-04-27. Review status: criteria provided, single submitter. Criteria: Invitae Variant Classification Sherloc (09022015). Collection method: clinical testing. Allele origin: germline.
Comment: For these reasons, this variant has been classified as Pathogenic. This sequence change replaces cysteine with phenylalanine at codon 209 of the FBN1 protein (p.Cys209Phe). The cysteine residue is highly conserved and there is a large physicochemical difference between cysteine and phenylalanine. The p.Cys209 amino acid residue in FBN1 has been determined to be clinically significant (PMID: 25652356, 19012347, 19293843). This suggests that variants that disrupt this residue are likely to be causative of disease This variant affects a cysteine residue located within a hybrid motif domain of the FBN1 protein. Cysteine residues in these domains are believed to be involved in intramolecular disulfide bridges and have been shown to be important for FBN1 protein structure (PMID: 16905551, 19349279). In addition, missense substitutions within the hybrid motif domains affecting cysteine residues are significantly overrepresented among patients with Marfan syndrome (PMID: 16571647, 17701892). This variant is not present in population databases (ExAC no frequency).

Literature cited by the submitters: PubMed 25652356 (cited by Labcorp Genetics (formerly Invitae), Labcorp); PubMed 19012347 (cited by Labcorp Genetics (formerly Invitae), Labcorp); PubMed 19293843 (cited by Labcorp Genetics (formerly Invitae), Labcorp); PubMed 16905551 (cited by Labcorp Genetics (formerly Invitae), Labcorp); PubMed 19349279 (cited by Labcorp Genetics (formerly Invitae), Labcorp); PubMed 16571647 (cited by Labcorp Genetics (formerly Invitae), Labcorp); PubMed 17701892 (cited by Labcorp Genetics (formerly Invitae), Labcorp).

NM_000138.5(FBN1):c.626G>T (p.Cys209Phe)

Gene: FBN1 (fibrillin 1; minus strand). Cytogenetic location: 15q21.1.
Variant type: single nucleotide variant.
Coding change: c.626G>T on transcript NM_000138.5 (MANE Select); coding-DNA position 626, G replaced by T.
Protein change: p.Cys209Phe; replaces cysteine 209 with phenylalanine.
Molecular consequence: missense variant.
Genome position (GRCh38, 1-based): chr15:48,537,721, C>A on the plus strand (G>T on the coding strand, the complement: FBN1 is on the minus strand). VCF-style: chr15-48537721-C-A. GRCh37 (hg19) VCF-style: chr15-48829918-C-A.
Other names: short protein forms C209F.
Identifiers: ClinVar variation 579559 (VCV000579559.9), dbSNP rs1555401687, ClinGen allele CA392446009.